The following is an entry in ClinVar:

NM_000937.5(POLR2A):c.3995A>C (p.Gln1332Pro)

Genes: POLR2A (RNA polymerase II subunit A; plus strand), LOC126862482 (CDK7 strongly-dependent group 2 enhancer GRCh37_chr17:7414586-7415785; plus strand). Cytogenetic location: 17p13.1.
Variant type: single nucleotide variant.
Coding change: c.3995A>C on transcript NM_000937.5 (MANE Select); coding-DNA position 3995, A replaced by C.
Protein change: p.Gln1332Pro; replaces glutamine 1332 with proline.
Molecular consequence: missense variant.
Genome position (GRCh38, 1-based): chr17:7,511,482, A>C. VCF-style: chr17-7511482-A-C. GRCh37 (hg19) VCF-style: chr17-7414801-A-C.
Other names: short protein forms Q1332P.
Identifiers: ClinVar variation 5005815 (VCV005005815.2).

ClinVar aggregate classification (germline): Uncertain significance (1 of 4 stars; one submission).

Conditions:
Neurodevelopmental disorder with hypotonia and variable intellectual and behavioral abnormalities. Identifiers: MedGen C5231423, MONDO:0032829, OMIM 618603.

Submission:

Juno Genomics, Hangzhou Juno Genomics, Inc
Classification: Uncertain significance for Neurodevelopmental disorder with hypotonia and variable intellectual and behavioral abnormalities. Review status: criteria provided, single submitter. Criteria: ACMG Guidelines, 2015. Collection method: clinical testing. Allele origin: germline.
Comment: Absent from controls (or at extremely low frequency if recessive) in Genome Aggregation Database.;Missense variant in a gene that has a low rate of benign missense variation.